The following is an entry in ClinVar:

ClinVar aggregate classification (germline): Likely pathogenic (1 of 4 stars; one submission).

Conditions:
ARID2-related disorder. Also called: ARID2-related condition.

Submission:

PreventionGenetics, part of Exact Sciences
Classification: Likely pathogenic for ARID2-related condition. Last evaluated: 2023-02-24. Review status: criteria provided, single submitter. Criteria: ACMG Guidelines, 2015. Collection method: clinical testing. Allele origin: germline.
Comment: The ARID2 c.1605delT variant is predicted to result in a frameshift and premature protein termination (p.Pro536Glnfs*21). To our knowledge, this variant has not been reported in the literature or in a large population database, indicating this variant is rare. Frameshift variants in ARID2 are expected to be pathogenic. This variant is interpreted as likely pathogenic.

NM_152641.4(ARID2):c.1605del (p.Pro536fs)

Gene: ARID2 (AT-rich interaction domain 2; plus strand). Cytogenetic location: 12q12.
Variant type: Deletion.
Coding change: c.1605del on transcript NM_152641.4 (MANE Select); coding-DNA position 1605, one base deleted (T; older notation c.1605delT).
Protein change: p.Pro536fs; shifts the reading frame from proline 536.
Molecular consequence: frameshift variant.
Genome position (GRCh38, 1-based): chr12:45,848,860, T deleted. VCF-style (leftmost placement, unchanged base first): chr12-45848859-AT-A. GRCh37 (hg19) VCF-style: chr12-46242642-AT-A.
Other names: c.1605del, p.Pro536fs (NM_001347839.2); short protein forms P536fs.
Identifiers: ClinVar variation 2630480 (VCV002630480.1), dbSNP rs2547657751, ClinGen allele CA2695199064.
Genomic context (GRCh38, chr12:45,848,859, plus strand): 5'-GTATATTGTATAATGCTTAATTTTTCTCCTCTTTTAGGCTAAATGCTCATTTTGAAGTAA[AT>A]CCAGATTGTTCTGTTTCTCGAGCAGAAATGTATTCTGAATACCTCTCGACTTGCAGTAAA-3'